The following is an entry in ClinVar:

ClinVar aggregate classification (germline): Uncertain significance (1 of 4 stars; one submission).

gnomAD v4.1: 18 of 1,613,728 alleles (0.0011%); highest among the groups gnomAD compares: Non-Finnish European, 0.0014%; no homozygotes.

Submission:

GeneDx
Classification: Uncertain significance. Last evaluated: 2025-02-11. Review status: criteria provided, single submitter. Criteria: GeneDx Variant Classification Process June 2021. Collection method: clinical testing. Allele origin: germline. Affected: yes.
Comment: Not observed at significant frequency in large population cohorts (gnomAD); In silico analysis supports that this missense variant has a deleterious effect on protein structure/function; Has not been previously published as pathogenic or benign to our knowledge

NM_005085.4(NUP214):c.962C>T (p.Ala321Val)

Gene: NUP214 (nucleoporin 214; plus strand). Cytogenetic location: 9q34.13.
Variant type: single nucleotide variant.
Coding change: c.962C>T on transcript NM_005085.4 (MANE Select); coding-DNA position 962, C replaced by T.
Protein change: p.Ala321Val; replaces alanine 321 with valine.
Molecular consequence: missense variant.
Genome position (GRCh38, 1-based): chr9:131,135,963, C>T. VCF-style: chr9-131135963-C-T. GRCh37 (hg19) VCF-style: chr9-134011350-C-T.
Other names: c.962C>T, p.Ala321Val (NM_001318324.2); short protein forms A321V.
Identifiers: ClinVar variation 4075544 (VCV004075544.1).
Genomic context (GRCh38, chr9:131,135,963, plus strand): 5'-TATTTGAACGTAATGGTCTCTGGTTTTATTCTTTAAGGGATTTAGTGCTGGCAGCATCTG[C>T]GGCTTCAACAGAAGTTAGTATCCTTGCTCGACAAAGTGATCAGGTAAATCTCTTTTTTGT-3'
Protein context (NP_005076.3, residues 311-331): EEWDLVLAAS[Ala321Val]ASTEVSILAR